The following is an entry in ClinVar:

NM_001267550.2(TTN):c.11311+4138G>A

Gene: TTN (titin; minus strand). Cytogenetic location: 2q31.2.
Variant type: single nucleotide variant.
Coding change: c.11311+4138G>A on transcript NM_001267550.2 (MANE Select); 4138 bases into the intron after coding-DNA position 11311, G replaced by A.
Molecular consequence: intron variant. On other transcripts: missense variant (1).
Genome position (GRCh38, 1-based): chr2:178,748,986, C>T on the plus strand (G>A on the coding strand, the complement: TTN is on the minus strand). VCF-style: chr2-178748986-C-T. GRCh37 (hg19) VCF-style: chr2-179613713-C-T.
Other names: c.13414G>A, p.Val4472Ile (NM_133379.5); c.10222+4138G>A (NM_003319.4); c.10798+4138G>A (NM_133437.4); c.10597+4138G>A (NM_133432.3); c.10360+4138G>A (NM_133378.4, NM_001256850.1); short protein forms V4472I.
Identifiers: ClinVar variation 3390097 (VCV003390097.14).

ClinVar aggregate classification (germline): Uncertain significance (1 of 4 stars; one submission).

Submission:

CeGaT Center for Human Genetics Tuebingen
Classification: Uncertain significance. Last evaluated: 2024-11-01. Review status: criteria provided, single submitter. Criteria: CeGaT Center For Human Genetics Tuebingen Variant Classification Criteria Version 2. Collection method: clinical testing. Allele origin: germline. Affected: yes. Observed: 1 variant allele.
Comment: TTN: PM2, BP4